The following is an entry in ClinVar:

NM_000152.5(GAA):c.2450A>G (p.His817Arg)

Gene: GAA (alpha glucosidase; plus strand). Cytogenetic location: 17q25.3.
Variant type: single nucleotide variant.
Coding change: c.2450A>G on transcript NM_000152.5 (MANE Select); coding-DNA position 2450, A replaced by G.
Protein change: p.His817Arg; replaces histidine 817 with arginine.
Molecular consequence: missense variant.
Genome position (GRCh38, 1-based): chr17:80,117,718, A>G. VCF-style: chr17-80117718-A-G. GRCh37 (hg19) VCF-style: chr17-78091517-A-G.
Other names: c.2450A>G, p.His817Arg (NM_001079803.3, NM_001079804.3, NM_001406741.1 and 1 more transcripts); short protein forms H817R.
Identifiers: ClinVar variation 4876557 (VCV004876557.1).

ClinVar aggregate classification (germline): Uncertain significance (1 of 4 stars; one submission).

Conditions:
Glycogen storage disease, type II (IOPD). Also called: Pompe Disease; CARDIOMEGALIA GLYCOGENICA DIFFUSA; GLYCOGENOSIS, GENERALIZED, CARDIAC FORM; GSD II; POMPE DISEASE, INFANTILE-ONSET; GLYCOGEN STORAGE DISEASE II, INFANTILE-ONSET. Identifiers: Orphanet 365, MedGen C0017921, MONDO:0009290, OMIM 232300.

gnomAD v4.1: 3 of 1,611,220 alleles (0.00019%); highest among the groups gnomAD compares: Non-Finnish European, 0.00025%; no homozygotes.

Submission:

Genomenon, Inc
Classification: Uncertain significance for Glycogen storage disease, type II. Last evaluated: 2026-07-01. Review status: criteria provided, single submitter. Criteria: Genomenon Sequence Variant Interpretation Standards - Updated. Collection method: curation. Allele origin: germline. Affected: yes.
Comment: GAA p.His817Arg (c.2450A>G) is a missense variant that changes the amino acid at codon 817 from Histidine to Arginine. This variant has been observed in at least one proband with a GAA-related disorder (PMID:36246652). At least one functional study has demonstrated a substantial alteration in protein function relative to the wild-type (PMID:36246652). It is absent or not present at a significant frequency in gnomAD. In silico models predict that this variant is possibly or probably damaging. In conclusion, we classify GAA p.His817Arg (c.2450A>G) as a variant of uncertain significance.

Literature cited by the submitters: PubMed 36246652.